The following is an entry in ClinVar:

NM_015474.4(SAMHD1):c.1739A>T (p.Lys580Met)

Gene: SAMHD1 (SAM and HD domain containing deoxynucleoside triphosphate triphosphohydrolase 1; minus strand). Cytogenetic location: 20q11.23.
Variant type: single nucleotide variant.
Coding change: c.1739A>T on transcript NM_015474.4 (MANE Select); coding-DNA position 1739, A replaced by T.
Protein change: p.Lys580Met; replaces lysine 580 with methionine.
Molecular consequence: missense variant.
Genome position (GRCh38, 1-based): chr20:36,897,829, T>A on the plus strand (A>T on the coding strand, the complement: SAMHD1 is on the minus strand). VCF-style: chr20-36897829-T-A. GRCh37 (hg19) VCF-style: chr20-35526232-T-A.
Other names: c.1634A>T, p.Lys545Met (NM_001363729.2); c.1739A>T, p.Lys580Met (NM_001363733.2); short protein forms K580M, K545M.
Identifiers: ClinVar variation 1917636 (VCV001917636.5), dbSNP rs1255928710, ClinGen allele CA408839318.

ClinVar aggregate classification (germline): Uncertain significance (1 of 4 stars; one submission).

Conditions:
Aicardi-Goutieres syndrome 5. Identifiers: Orphanet 51, MedGen C2749659, MONDO:0013059, OMIM 612952.

Allele frequency attached by ClinVar (database versions not stated): gnomAD 0.00001; TOPMed 0.00001.
gnomAD v4.1: 1 of 1,614,120 alleles (0.000062%); highest among the groups gnomAD compares: Non-Finnish European, 0.000085%; no homozygotes.

Submission:

Labcorp Genetics (formerly Invitae), Labcorp
Classification: Uncertain significance for Aicardi-Goutieres syndrome 5. Last evaluated: 2023-08-24. Review status: criteria provided, single submitter. Criteria: Invitae Variant Classification Sherloc (09022015). Collection method: clinical testing. Allele origin: germline.
Comment: In summary, the available evidence is currently insufficient to determine the role of this variant in disease. Therefore, it has been classified as a Variant of Uncertain Significance. Advanced modeling of protein sequence and biophysical properties (such as structural, functional, and spatial information, amino acid conservation, physicochemical variation, residue mobility, and thermodynamic stability) performed at Invitae indicates that this missense variant is not expected to disrupt SAMHD1 protein function. ClinVar contains an entry for this variant (Variation ID: 1917636). This variant has not been reported in the literature in individuals affected with SAMHD1-related conditions. This variant is not present in population databases (gnomAD no frequency). This sequence change replaces lysine, which is basic and polar, with methionine, which is neutral and non-polar, at codon 580 of the SAMHD1 protein (p.Lys580Met).